The following is an entry in ClinVar:

NM_000057.4(BLM):c.2489C>G (p.Thr830Arg)

Gene: BLM (BLM RecQ like helicase; plus strand). Cytogenetic location: 15q26.1.
Variant type: single nucleotide variant.
Coding change: c.2489C>G on transcript NM_000057.4 (MANE Select); coding-DNA position 2489, C replaced by G.
Protein change: p.Thr830Arg; replaces threonine 830 with arginine.
Molecular consequence: missense variant.
Genome position (GRCh38, 1-based): chr15:90,769,520, C>G. VCF-style: chr15-90769520-C-G. GRCh37 (hg19) VCF-style: chr15-91312750-C-G.
Other names: c.2489C>G, p.Thr830Arg (NM_001287246.2, NM_001287247.2); c.1364C>G, p.Thr455Arg (NM_001287248.2); c.2489C>G (NM_000057.2); short protein forms T455R, T830R.
Identifiers: ClinVar variation 850073 (VCV000850073.12), dbSNP rs759545027, ClinGen allele CA393845432.

ClinVar aggregate classification (germline): Uncertain significance. Review status: criteria provided, multiple submitters, no conflicts (2 of 4 stars). 4 submissions from 4 submitters: Uncertain significance (3). 1 of the submissions does not count toward it. Last evaluated 2024-03-01.

Conditions:
Bloom syndrome (BLM). Also called: Bloom-Torre-Machacek syndrome. Identifiers: Orphanet 125, MedGen C0005859, MONDO:0008876, OMIM 210900.
Hereditary cancer-predisposing syndrome. Also called: Hereditary Cancer Syndrome; Neoplastic Syndromes, Hereditary; Hereditary neoplastic syndrome; Tumor predisposition. Identifiers: Orphanet 140162, MedGen C0027672, MeSH D009386, MONDO:0015356.

gnomAD v4.1: 3 of 1,613,816 alleles (0.00019%); highest among the groups gnomAD compares: African/African-American, 0.0013%; no homozygotes.

Submissions (4):

Labcorp Genetics (formerly Invitae), Labcorp
Classification: Uncertain significance for Bloom syndrome. Last evaluated: 2024-03-01. Review status: criteria provided, single submitter. Criteria: Invitae Variant Classification Sherloc (09022015). Collection method: clinical testing. Allele origin: germline.
Comment: This sequence change replaces threonine, which is neutral and polar, with arginine, which is basic and polar, at codon 830 of the BLM protein (p.Thr830Arg). This variant is not present in population databases (gnomAD no frequency). This variant has not been reported in the literature in individuals affected with BLM-related conditions. ClinVar contains an entry for this variant (Variation ID: 850073). Advanced modeling of protein sequence and biophysical properties (such as structural, functional, and spatial information, amino acid conservation, physicochemical variation, residue mobility, and thermodynamic stability) performed at Invitae indicates that this missense variant is expected to disrupt BLM protein function with a positive predictive value of 80%. RNA analysis performed to evaluate the impact of this missense change on mRNA splicing indicates it does not significantly alter splicing (Invitae). In summary, the available evidence is currently insufficient to determine the role of this variant in disease. Therefore, it has been classified as a Variant of Uncertain Significance.

Ambry Genetics
Classification: Uncertain significance for Hereditary cancer-predisposing syndrome. Last evaluated: 2024-02-16. Review status: criteria provided, single submitter. Criteria: Ambry Variant Classification Scheme 2023. Collection method: clinical testing. Allele origin: germline.
Comment: The p.T830R variant (also known as c.2489C>G), located in coding exon 11 of the BLM gene, results from a C to G substitution at nucleotide position 2489. The threonine at codon 830 is replaced by arginine, an amino acid with similar properties. This amino acid position is conserved. In addition, this alteration is predicted to be deleterious by in silico analysis. Since supporting evidence is limited at this time, the clinical significance of this alteration remains unclear.

Blueprint Genetics
Classification: Uncertain significance. Last evaluated: 2023-10-03. Review status: criteria provided, single submitter. Criteria: ACMG Guidelines, 2015. Collection method: clinical testing. Allele origin: germline.

Natera, Inc.
Classification: Uncertain significance for Bloom syndrome. Last evaluated: 2021-02-09. Review status: no assertion criteria provided. Collection method: clinical testing. Allele origin: germline. Not counted in ClinVar's aggregate classification.